The following is an entry in ClinVar:

ClinVar aggregate classification (germline): Uncertain significance (1 of 4 stars; one submission).

Conditions:
Familial hemophagocytic lymphohistiocytosis 3 (FHL3). Also called: UNC13D-Related Familial Hemophagocytic Lymphohistiocytosis (UNC13D-fHLH). Identifiers: Orphanet 540, MedGen C1837174, MONDO:0012146, OMIM 608898.

Allele frequency attached by ClinVar (database versions not stated): gnomAD exomes below 0.00001; TOPMed below 0.00001; gnomAD 0.00002.
gnomAD v4.1: 4 of 1,612,576 alleles (0.00025%); highest among the groups gnomAD compares: South Asian, 0.0044%; no homozygotes.

Submission:

Labcorp Genetics (formerly Invitae), Labcorp
Classification: Uncertain significance for Familial hemophagocytic lymphohistiocytosis 3. Last evaluated: 2019-05-30. Review status: criteria provided, single submitter. Criteria: Invitae Variant Classification Sherloc (09022015). Collection method: clinical testing. Allele origin: germline.
Comment: This sequence change replaces proline with leucine at codon 594 of the UNC13D protein (p.Pro594Leu). The proline residue is highly conserved and there is a moderate physicochemical difference between proline and leucine. This variant is not present in population databases (ExAC no frequency). This variant has not been reported in the literature in individuals with UNC13D-related conditions. Algorithms developed to predict the effect of missense changes on protein structure and function are either unavailable or do not agree on the potential impact of this missense change (SIFT: "Deleterious"; PolyPhen-2: "Possibly Damaging"; Align-GVGD: "Class C0"). In summary, the available evidence is currently insufficient to determine the role of this variant in disease. Therefore, it has been classified as a Variant of Uncertain Significance.

NM_199242.3(UNC13D):c.1781C>T (p.Pro594Leu)

Gene: UNC13D (unc-13 homolog D; minus strand). Cytogenetic location: 17q25.1.
Variant type: single nucleotide variant.
Coding change: c.1781C>T on transcript NM_199242.3 (MANE Select); coding-DNA position 1781, C replaced by T.
Protein change: p.Pro594Leu; replaces proline 594 with leucine.
Molecular consequence: missense variant.
Genome position (GRCh38, 1-based): chr17:75,835,476, G>A on the plus strand (C>T on the coding strand, the complement: UNC13D is on the minus strand). VCF-style: chr17-75835476-G-A. GRCh37 (hg19) VCF-style: chr17-73831557-G-A.
Other names: short protein forms P594L.
Identifiers: ClinVar variation 951753 (VCV000951753.1), dbSNP rs1397601840, ClinGen allele CA401092638.